The following is an entry in ClinVar:

ClinVar aggregate classification (germline): Uncertain significance. Review status: criteria provided, multiple submitters, no conflicts (2 of 4 stars). 2 submissions from 2 submitters: Uncertain significance (2). Last evaluated 2025-04-12.

Conditions:
Neurofibromatosis, type 1 (NF1). Also called: Peripheral type neurofibromatosis; Neurofibromatosis, type I; NEUROFIBROMATOSIS, TYPE I, SOMATIC; VON RECKLINGHAUSEN DISEASE. Identifiers: Orphanet 636, MedGen C0027831, MONDO:0018975, OMIM 162200. Disease mechanism: loss of function.
Hereditary cancer-predisposing syndrome. Also called: Neoplastic Syndromes, Hereditary; Tumor predisposition; Hereditary neoplastic syndrome; Hereditary Cancer Syndrome. Identifiers: Orphanet 140162, MedGen C0027672, MeSH D009386, MONDO:0015356.
Cardiovascular phenotype. Identifiers: MedGen CN230736.

Allele frequency attached by ClinVar (database versions not stated): gnomAD exomes below 0.00001.
gnomAD v4.1: 2 of 1,609,938 alleles (0.00012%); highest among the groups gnomAD compares: Non-Finnish European, 0.00017%; no homozygotes.

Submissions (2):

Ambry Genetics
Classification: Uncertain significance for Cardiovascular phenotype; Hereditary cancer-predisposing syndrome. Last evaluated: 2025-04-12. Review status: criteria provided, single submitter. Criteria: Ambry Variant Classification Scheme 2023. Collection method: clinical testing. Allele origin: germline.
Comment: The p.Y182F variant (also known as c.545A>T), located in coding exon 5 of the NF1 gene, results from an A to T substitution at nucleotide position 545. The tyrosine at codon 182 is replaced by phenylalanine, an amino acid with highly similar properties. This amino acid position is conserved. In addition, the in silico prediction for this alteration is inconclusive. Based on the available evidence, the clinical significance of this variant remains unclear.

Labcorp Genetics (formerly Invitae), Labcorp
Classification: Uncertain significance for Neurofibromatosis, type 1. Last evaluated: 2022-04-04. Review status: criteria provided, single submitter. Criteria: Invitae Variant Classification Sherloc (09022015). Collection method: clinical testing. Allele origin: germline.
Comment: This sequence change replaces tyrosine, which is neutral and polar, with phenylalanine, which is neutral and non-polar, at codon 182 of the NF1 protein (p.Tyr182Phe). This variant is not present in population databases (gnomAD no frequency). This variant has not been reported in the literature in individuals affected with NF1-related conditions. Advanced modeling of protein sequence and biophysical properties (such as structural, functional, and spatial information, amino acid conservation, physicochemical variation, residue mobility, and thermodynamic stability) performed at Invitae indicates that this missense variant is not expected to disrupt NF1 protein function. In summary, the available evidence is currently insufficient to determine the role of this variant in disease. Therefore, it has been classified as a Variant of Uncertain Significance.

NM_001042492.3(NF1):c.545A>T (p.Tyr182Phe)

Gene: NF1 (neurofibromin 1; plus strand). Cytogenetic location: 17q11.2.
Variant type: single nucleotide variant.
Coding change: c.545A>T on transcript NM_001042492.3 (MANE Select); coding-DNA position 545, A replaced by T.
Protein change: p.Tyr182Phe; replaces tyrosine 182 with phenylalanine.
Molecular consequence: missense variant.
Genome position (GRCh38, 1-based): chr17:31,169,956, A>T. VCF-style: chr17-31169956-A-T. GRCh37 (hg19) VCF-style: chr17-29496974-A-T.
Other names: c.545A>T, p.Tyr182Phe (NM_000267.4, NM_001128147.3); short protein forms Y182F.
Identifiers: ClinVar variation 1929682 (VCV001929682.6), dbSNP rs2143707725, ClinGen allele CA398985206.